The following is an entry in ClinVar:

ClinVar aggregate classification (germline): Conflicting classifications of pathogenicity. Review status: criteria provided, conflicting classifications (1 of 4 stars). 3 submissions from 3 submitters: Uncertain significance (2); Likely benign (1). Last evaluated 2025-09-18.

Conditions:
Arrhythmogenic right ventricular dysplasia 11. Also called: Arrhythmogenic Right Ventricular Dysplasia/Cardiomyopathy11; ARRHYTHMOGENIC RIGHT VENTRICULAR DYSPLASIA, FAMILIAL, 11; Arrhythmogenic right ventricular dysplasia 11 with mild palmoplantar keratoderma and woolly hair. Identifiers: MedGen C1864850, MONDO:0012506, OMIM 610476.
Cardiovascular phenotype. Identifiers: MedGen CN230736.
Cardiomyopathy (CMYO). Also called: Cardiomyopathies. Identifiers: Orphanet 167848, MedGen C0878544, MONDO:0004994, HP:0001638. Inheritance: Various modes of inheritance.

Allele frequency attached by ClinVar (database versions not stated): gnomAD exomes 0.00001; TOPMed below 0.00001; ExAC 0.00002.
gnomAD v4.1: 8 of 1,613,910 alleles (0.0005%); highest among the groups gnomAD compares: Admixed American, 0.0067%; no homozygotes.

Submissions (3):

Color Diagnostics, LLC DBA Color Health
Classification: Uncertain significance for Cardiomyopathy. Last evaluated: 2025-09-18. Review status: criteria provided, single submitter. Criteria: ACMG Guidelines, 2015. Collection method: clinical testing. Allele origin: germline.
Comment: This missense variant replaces methionine with leucine at codon 899 of the DSC2 protein. Computational prediction suggests that this variant may not impact protein structure and function. To our knowledge, functional studies have not been reported for this variant. This variant has not been reported in individuals affected with DSC2-related disorders in the literature. This variant has been identified in 5/251150 chromosomes in the general population by the Genome Aggregation Database (gnomAD). The available evidence is insufficient to determine the role of this variant in disease conclusively. Therefore, this variant is classified as a Variant of Uncertain Significance.

Labcorp Genetics (formerly Invitae), Labcorp
Classification: Uncertain significance for Arrhythmogenic right ventricular dysplasia 11. Last evaluated: 2025-01-23. Review status: criteria provided, single submitter. Criteria: Invitae Variant Classification Sherloc (09022015). Collection method: clinical testing. Allele origin: germline.
Comment: This sequence change replaces methionine, which is neutral and non-polar, with leucine, which is neutral and non-polar, at codon 899 of the DSC2 protein (p.Met899Leu). This variant is present in population databases (rs754521188, gnomAD 0.01%). This variant has not been reported in the literature in individuals affected with DSC2-related conditions. ClinVar contains an entry for this variant (Variation ID: 2066513). An algorithm developed to predict the effect of missense changes on protein structure and function (PolyPhen-2) suggests that this variant is likely to be tolerated. In summary, the available evidence is currently insufficient to determine the role of this variant in disease. Therefore, it has been classified as a Variant of Uncertain Significance.

Ambry Genetics
Classification: Likely benign for Cardiovascular phenotype. Last evaluated: 2023-10-08. Review status: criteria provided, single submitter. Criteria: Ambry Variant Classification Scheme 2023. Collection method: clinical testing. Allele origin: germline.

NM_024422.6(DSC2):c.2695A>T (p.Met899Leu)

Gene: DSC2 (desmocollin 2; minus strand). Cytogenetic location: 18q12.1.
Variant type: single nucleotide variant.
Coding change: c.2695A>T on transcript NM_024422.6 (MANE Select); coding-DNA position 2695, A replaced by T.
Protein change: p.Met899Leu; replaces methionine 899 with leucine.
Molecular consequence: missense variant. On other transcripts: 3 prime UTR variant (1).
Genome position (GRCh38, 1-based): chr18:31,068,026, T>A on the plus strand (A>T on the coding strand, the complement: DSC2 is on the minus strand). VCF-style: chr18-31068026-T-A. GRCh37 (hg19) VCF-style: chr18-28647992-T-A.
Other names: c.2695A>T (NM_024422.3); c.2266A>T, p.Met756Leu (NM_001406506.1); c.*197A>T (NM_001406507.1, NM_004949.5); short protein forms M756L, M899L.
Identifiers: ClinVar variation 2066513 (VCV002066513.5), dbSNP rs754521188, ClinGen allele CA034131.